The following is an entry in ClinVar:

NM_001252024.2(TRPM1):c.1729C>T (p.Arg577Trp)

Gene: TRPM1 (transient receptor potential cation channel subfamily M member 1; minus strand). Cytogenetic location: 15q13.3.
Variant type: single nucleotide variant.
Coding change: c.1729C>T on transcript NM_001252024.2 (MANE Select); coding-DNA position 1729, C replaced by T.
Protein change: p.Arg577Trp; replaces arginine 577 with tryptophan.
Molecular consequence: missense variant.
Genome position (GRCh38, 1-based): chr15:31,047,146, G>A on the plus strand (C>T on the coding strand, the complement: TRPM1 is on the minus strand). VCF-style: chr15-31047146-G-A. GRCh37 (hg19) VCF-style: chr15-31339349-G-A.
Other names: c.1780C>T, p.Arg594Trp (NM_001252020.2); c.1663C>T, p.Arg555Trp (NM_002420.6); short protein forms R555W, R594W, R577W.
Identifiers: ClinVar variation 1481747 (VCV001481747.6), dbSNP rs373261110, ClinGen allele CA7452459.

ClinVar aggregate classification (germline): Uncertain significance. Review status: criteria provided, multiple submitters, no conflicts (2 of 4 stars). 2 submissions from 2 submitters: Uncertain significance (2). Last evaluated 2024-03-27.

Allele frequency attached by ClinVar (database versions not stated): ExAC 0.00002; gnomAD 0.00002 and 0.00003; gnomAD exomes 0.00002 and 0.00003; TOPMed 0.00005; ESP Exome Variant Server 0.00016.
gnomAD v4.1: 37 of 1,614,102 alleles (0.0023%); highest among the groups gnomAD compares: African/African-American, 0.011%; no homozygotes.

Submissions (2):

Blueprint Genetics
Classification: Uncertain significance. Last evaluated: 2024-03-27. Review status: criteria provided, single submitter. Criteria: ACMG Guidelines, 2015. Collection method: clinical testing. Allele origin: germline.

Labcorp Genetics (formerly Invitae), Labcorp
Classification: Uncertain significance. Last evaluated: 2022-08-15. Review status: criteria provided, single submitter. Criteria: Invitae Variant Classification Sherloc (09022015). Collection method: clinical testing. Allele origin: germline.
Comment: This sequence change replaces arginine, which is basic and polar, with tryptophan, which is neutral and slightly polar, at codon 555 of the TRPM1 protein (p.Arg555Trp). This variant is present in population databases (rs373261110, gnomAD 0.01%). This variant has not been reported in the literature in individuals affected with TRPM1-related conditions. ClinVar contains an entry for this variant (Variation ID: 1481747). Algorithms developed to predict the effect of missense changes on protein structure and function are either unavailable or do not agree on the potential impact of this missense change (SIFT: "Deleterious"; PolyPhen-2: "Probably Damaging"; Align-GVGD: "Class C0"). In summary, the available evidence is currently insufficient to determine the role of this variant in disease. Therefore, it has been classified as a Variant of Uncertain Significance.